The following is an entry in ClinVar:

ClinVar aggregate classification (germline): Uncertain significance (1 of 4 stars; one submission).

Conditions:
Tuberous sclerosis 2 (TSC2). Identifiers: Orphanet 805, MedGen C1860707, MONDO:0013199, OMIM 613254.

Submission:

Labcorp Genetics (formerly Invitae), Labcorp
Classification: Uncertain significance for Tuberous sclerosis 2. Last evaluated: 2023-07-15. Review status: criteria provided, single submitter. Criteria: Invitae Variant Classification Sherloc (09022015). Collection method: clinical testing. Allele origin: germline.
Comment: This variant has not been reported in the literature in individuals affected with TSC2-related conditions. This variant is not present in population databases (gnomAD no frequency). This sequence change replaces valine, which is neutral and non-polar, with leucine, which is neutral and non-polar, at codon 692 of the TSC2 protein (p.Val692Leu). Advanced modeling of protein sequence and biophysical properties (such as structural, functional, and spatial information, amino acid conservation, physicochemical variation, residue mobility, and thermodynamic stability) performed at Invitae indicates that this missense variant is not expected to disrupt TSC2 protein function. In summary, the available evidence is currently insufficient to determine the role of this variant in disease. Therefore, it has been classified as a Variant of Uncertain Significance.

NM_000548.5(TSC2):c.2074G>C (p.Val692Leu)

Gene: TSC2 (TSC complex subunit 2; plus strand). Cytogenetic location: 16p13.3.
Variant type: single nucleotide variant.
Coding change: c.2074G>C on transcript NM_000548.5 (MANE Select); coding-DNA position 2074, G replaced by C.
Protein change: p.Val692Leu; replaces valine 692 with leucine.
Molecular consequence: missense variant. On other transcripts: non-coding transcript variant (5).
Genome position (GRCh38, 1-based): chr16:2,071,911, G>C. VCF-style: chr16-2071911-G-C. GRCh37 (hg19) VCF-style: chr16-2121912-G-C.
Other names: c.1612G>C, p.Val538Leu (NM_001406681.1); c.1474G>C, p.Val492Leu (NM_001406682.1, NM_001406683.1, NM_001406684.1 and 6 more transcripts); c.730G>C, p.Val244Leu (NM_001406689.1, NM_001406690.1, NM_001406691.1 and 6 more transcripts); c.2074G>C, p.Val692Leu (NM_001077183.3, NM_001114382.3, NM_001363528.2 and 6 more transcripts); c.1963G>C, p.Val655Leu (NM_001318827.2, NM_001406670.1, NM_001406678.1); c.1927G>C, p.Val643Leu (NM_001318829.2, NM_001406675.1, NM_001406676.1 and 1 more transcripts); c.2107G>C, p.Val703Leu (NM_001318832.2); c.2164G>C, p.Val722Leu (NM_001406667.1, NM_001406668.1); and 3 more; short protein forms V492L, V643L, V688L, V703L, V722L, V158L, V538L, V655L.
Identifiers: ClinVar variation 2996594 (VCV002996594.3), dbSNP rs201769220, ClinGen allele CA394274686.
Genomic context (GRCh38, chr16:2,071,911, plus strand): 5'-CCGGCGCCTGCAGGCCCCGCCGTGCGGCTGGGGTCCGTGCCCTACTCCCTGCTCTTCCGC[G>C]TCCTGCTGCAGTGCTTGAAGCAGGTGAGTGGGGCCGGGCAGGGACCATCCGTCCCACGTT-3'
Protein context (NP_000539.2, residues 682-702): GSVPYSLLFR[Val692Leu]LLQCLKQESD